The following is an entry in ClinVar:

NM_002693.3(POLG):c.2069C>T (p.Thr690Met)

Gene: POLG (DNA polymerase gamma, catalytic subunit; minus strand). Cytogenetic location: 15q26.1.
Variant type: single nucleotide variant.
Coding change: c.2069C>T on transcript NM_002693.3 (MANE Select); coding-DNA position 2069, C replaced by T.
Protein change: p.Thr690Met; replaces threonine 690 with methionine.
Molecular consequence: missense variant.
Genome position (GRCh38, 1-based): chr15:89,324,108, G>A on the plus strand (C>T on the coding strand, the complement: POLG is on the minus strand). VCF-style: chr15-89324108-G-A. GRCh37 (hg19) VCF-style: chr15-89867339-G-A.
Other names: c.2069C>T, p.Thr690Met (NM_001126131.2); short protein forms T690M.
Identifiers: ClinVar variation 579888 (VCV000579888.17), dbSNP rs201677865, ClinGen allele CA7724604.

ClinVar aggregate classification (germline): Uncertain significance. Review status: criteria provided, multiple submitters, no conflicts (2 of 4 stars). 6 submissions from 6 submitters: Uncertain significance (6). Last evaluated 2026-05-19.

Conditions:
POLG-related disorder. Also called: POLG-Related Spectrum Disorders; POLG-related condition; POLG-Related Disorders. Identifiers: MedGen C4763519.
Mitochondrial DNA depletion syndrome 4b. Also called: Mitochondrial Neurogastrointestinal Encephalopathy Disease, POLG-Related; MNGIE, POLG-RELATED. Identifiers: Orphanet 298, MedGen C3150914, MONDO:0013350, OMIM 613662.
Mitochondrial DNA depletion syndrome 1. Also called: Mitochondrial DNA depletion syndrome 1 (MNGIE type); Mitochondrial DNA Depletion Syndrome, MNGIE Form; Mitochondrial neurogastrointestinal encephalomyopathy syndrome; POLIP SYNDROME; POLYNEUROPATHY, OPHTHALMOPLEGIA, LEUKOENCEPHALOPATHY, AND INTESTINAL PSEUDOOBSTRUCTION; Mitochondrial Neurogastrointestinal Encephalopathy Disease. Identifiers: Orphanet 298, MedGen C4551995, MONDO:0011283, OMIM 603041.
Sensory ataxic neuropathy, dysarthria, and ophthalmoparesis (SANDO). Also called: Sensory ataxic neuropathy-dysarthria-ophthalmoparesis syndrome; SENSORY ATAXIC NEUROPATHY WITH MITOCHONDRIAL DNA DELETIONS, AUTOSOMAL RECESSIVE; Ataxia Neuropathy Spectrum (ANS); Epilepsy, progressive myoclonic, type 5. Identifiers: Orphanet 70595, MedGen C1843851, MONDO:0011835, OMIM 607459.
Progressive external ophthalmoplegia with mitochondrial DNA deletions, autosomal dominant 1 (PEOA1). Also called: Autosomal Dominant Progressive External Ophthalmoplegia (adPEO); PROGRESSIVE EXTERNAL OPHTHALMOPLEGIA, AUTOSOMAL DOMINANT 1. Identifiers: MedGen C1834846, MONDO:0024528, OMIM 157640.
Progressive external ophthalmoplegia with mitochondrial DNA deletions, autosomal recessive 1 (PEOB1). Also called: Autosomal Recessive Progressive External Ophthalmoplegia (arPEO); Progressive external ophthalmoplegia, autosomal recessive 1. Identifiers: Orphanet 254886, MedGen C4225153, MONDO:0009783, OMIM 258450.
Progressive sclerosing poliodystrophy (MTDPS4A). Also called: Mitochondrial DNA depletion syndrome 4A (Alpers type); Mitochondrial DNA Depletion Syndrome 4A; ALPERS PROGRESSIVE INFANTILE POLIODYSTROPHY; Alpers-Huttenlocher Syndrome (AHS); Alpers Syndrome; NEURONAL DEGENERATION OF CHILDHOOD WITH LIVER DISEASE, PROGRESSIVE. Identifiers: Orphanet 726, MedGen C0205710, MONDO:0008758, OMIM 203700.
Inborn genetic diseases. Identifiers: MedGen C0950123, MeSH D030342.

Allele frequency attached by ClinVar (database versions not stated): ExAC 0.00002; TOPMed 0.00002; gnomAD 0.00003 and 0.00004; gnomAD exomes 0.00005.
gnomAD v4.1: 31 of 1,613,826 alleles (0.0019%); highest among the groups gnomAD compares: East Asian, 0.011%; no homozygotes.

Submissions (6):

PreventionGenetics, part of Exact Sciences
Classification: Uncertain significance for POLG-related condition. Last evaluated: 2026-05-19. Review status: criteria provided, single submitter. Criteria: ACMG Guidelines, 2015. Collection method: clinical testing. Allele origin: germline.
Comment: The POLG c.2069C>T variant is predicted to result in the amino acid substitution p.Thr690Met. To our knowledge, this variant has not been reported in the literature. This variant is reported in 0.015% of alleles in individuals of East Asian descent in gnomAD. At this time, the clinical significance of this variant is uncertain due to the absence of conclusive functional and genetic evidence.

Labcorp Genetics (formerly Invitae), Labcorp
Classification: Uncertain significance for Progressive sclerosing poliodystrophy. Last evaluated: 2026-01-19. Review status: criteria provided, single submitter. Criteria: Invitae Variant Classification Sherloc (09022015). Collection method: clinical testing. Allele origin: germline.
Comment: This sequence change replaces threonine, which is neutral and polar, with methionine, which is neutral and non-polar, at codon 690 of the POLG protein (p.Thr690Met). This variant is present in population databases (rs201677865, gnomAD 0.02%). This variant has not been reported in the literature in individuals affected with POLG-related conditions. ClinVar contains an entry for this variant (Variation ID: 579888). An algorithm developed to predict the effect of missense changes on protein structure and function outputs the following: PolyPhen-2: "Benign". The methionine amino acid residue is found in multiple mammalian species, which suggests that this missense change does not adversely affect protein function. In summary, the available evidence is currently insufficient to determine the role of this variant in disease. Therefore, it has been classified as a Variant of Uncertain Significance.

Blueprint Genetics
Classification: Uncertain significance. Last evaluated: 2024-02-14. Review status: criteria provided, single submitter. Criteria: ACMG Guidelines, 2015. Collection method: clinical testing. Allele origin: germline.

Fulgent Genetics
Classification: Uncertain significance for Progressive external ophthalmoplegia with mitochondrial DNA deletions, autosomal dominant 1; Progressive sclerosing poliodystrophy; Progressive external ophthalmoplegia with mitochondrial DNA deletions, autosomal recessive 1; Mitochondrial DNA depletion syndrome 1; Sensory ataxic neuropathy, dysarthria, and ophthalmoparesis; Mitochondrial DNA depletion syndrome 4b. Last evaluated: 2021-07-27. Review status: criteria provided, single submitter. Criteria: ACMG Guidelines, 2015. Collection method: clinical testing. Allele origin: unknown.

GeneDx
Classification: Uncertain significance. Last evaluated: 2021-06-01. Review status: criteria provided, single submitter. Criteria: GeneDx Variant Classification Process June 2021. Collection method: clinical testing. Allele origin: germline. Affected: yes.
Comment: Not observed at a significant frequency in large population cohorts (Lek et al., 2016); In silico analysis supports that this missense variant does not alter protein structure/function; Has not been previously published as pathogenic or benign in association with a neurodevelopmental disorder to our knowledge; This variant is associated with the following publications: (PMID: 27535533, 31571979)

Ambry Genetics
Classification: Uncertain significance for Inborn genetic diseases. Last evaluated: 2017-04-11. Review status: criteria provided, single submitter. Criteria: Ambry Variant Classification Scheme 2023. Collection method: clinical testing. Allele origin: germline.
Comment: The p.T690M variant (also known as c.2069C>T), located in coding exon 10 of the POLG gene, results from a C to T substitution at nucleotide position 2069. The threonine at codon 690 is replaced by methionine, an amino acid with similar properties. This amino acid position is not well conserved in available vertebrate species. In addition, the in silico prediction for this alteration is inconclusive. Since supporting evidence is limited at this time, the clinical significance of this alteration remains unclear.